The following is an entry in ClinVar:

NM_007294.4(BRCA1):c.5143A>T (p.Ser1715Cys)

Gene: BRCA1 (BRCA1 DNA repair associated; minus strand). Cytogenetic location: 17q21.31.
Variant type: single nucleotide variant.
Coding change: c.5143A>T on transcript NM_007294.4 (MANE Select); coding-DNA position 5143, A replaced by T.
Protein change: p.Ser1715Cys; replaces serine 1715 with cysteine.
Molecular consequence: missense variant. On other transcripts: non-coding transcript variant (1).
Genome position (GRCh38, 1-based): chr17:43,063,883, T>A on the plus strand (A>T on the coding strand, the complement: BRCA1 is on the minus strand). VCF-style: chr17-43063883-T-A. GRCh37 (hg19) VCF-style: chr17-41215900-T-A.
Other names: NM_007294.4(BRCA1):c.5143A>T; p.Ser1715Cys; c.4930A>T, p.Ser1644Cys (NM_001407571.1, NM_001407898.1, NM_001407899.1 and 12 more transcripts); c.5209A>T, p.Ser1737Cys (NM_001407581.1, NM_001407582.1); c.5206A>T, p.Ser1736Cys (NM_001407583.1, NM_001407585.1, NM_001407587.1 and 1 more transcripts); c.5203A>T, p.Ser1735Cys (NM_001407590.1, NM_001407591.1); c.5143A>T, p.Ser1715Cys (NM_001407593.1, NM_001407594.1, NM_001407596.1 and 7 more transcripts); c.5140A>T, p.Ser1714Cys (NM_001407610.1, NM_001407611.1, NM_001407612.1 and 17 more transcripts); and 73 more; short protein forms S1715C, S1736C, S611C, S1668C, S1546C, S1561C, S1666C, S1689C.
Identifiers: ClinVar variation 55415 (VCV000055415.29), dbSNP rs80357222, ClinGen allele CA003265.
Genomic context (GRCh38, chr17:43,063,883, plus strand): 5'-TGCAATTCTGAGGTGTTAAAGGGAGGAGGGGAGAAATAGTATTATACTTACAGAAATAGC[T>A]AACTACCCATTTTCCTCCCGCAATTCCTAGAAAATATTTCAGTGTCCGTTCACACACAAA-3'
Protein context (NP_009225.1, residues 1705-1725): LGIAGGKWVV[Ser1715Cys]YFWVTQSIKE

ClinVar aggregate classification (germline): Likely pathogenic. Review status: reviewed by expert panel (3 of 4 stars). 8 submissions from 8 submitters: Likely pathogenic (1). 7 of the submissions do not count toward it. Last evaluated 2025-12-02.

Conditions:
BRCA1-related cancer predisposition. Identifiers: MedGen CN377757, MONDO:0700268.
BRCA1-related disorder. Also called: BRCA1-related condition.
Hereditary cancer-predisposing syndrome. Also called: Neoplastic Syndromes, Hereditary; Hereditary neoplastic syndrome; Hereditary Cancer Syndrome; Tumor predisposition. Identifiers: Orphanet 140162, MedGen C0027672, MeSH D009386, MONDO:0015356.
Breast-ovarian cancer, familial, susceptibility to, 1 (BROVCA1). Also called: BRCA1 Hereditary Breast and Ovarian Cancer; OVARIAN CANCER, SUSCEPTIBILITY TO. Identifiers: Orphanet 145, MedGen C2676676, MONDO:0011450, OMIM 604370. Disease mechanism: loss of function.
Hereditary breast ovarian cancer syndrome. Also called: BRCA1- and BRCA2-Associated Hereditary Breast and Ovarian Cancer; Hereditary breast and ovarian cancer syndrome (HBOC); Hereditary breast and ovarian cancer syndrome; Hereditary breast and/or ovarian cancer syndrome; Breast and ovarian cancer; Hereditary breast and ovarian cancer. Identifiers: Orphanet 145, MedGen C0677776, MeSH D061325, MONDO:0003582. Disease mechanism: loss of function.

Submissions 1 to 5 of 9:

ClinGen ENIGMA BRCA1 and BRCA2 Variant Curation Expert Panel, ClinGen
Classification: Likely pathogenic for BRCA1-related cancer predisposition. Last evaluated: 2025-12-02. Review status: reviewed by expert panel. Criteria: CSpec BRCA12ACMG Rules Specifications V1.1. Collection method: curation. Allele origin: germline. Inheritance: Autosomal dominant inheritance.
Comment: The c.5143A>T variant in BRCA1 is a missense variant predicted to cause substitution of Serine by Cysteine at amino acid 1715 (p.(Ser1715Cys)). This variant is absent from gnomAD v2.1 (exomes only, non-cancer subset, read depth ≥25) and gnomAD v3.1 (non-cancer subset, read depth ≥25) (PM2_Supporting met). Reported by three calibrated studies to exhibit protein function similar to pathogenic control variants (PMIDs:30209399, 38709234, 37168384) (PS3 met). This BRCA1 missense variant is within a key functional domain and a SpliceAI score of 0 predicts no impact on splicing (score threshold ≤0.1). The computational predictor BayesDel (noAF) gives a score of 0.35, above the recommended threshold of 0.28 for prediction of impact on BRCA1 function via protein change (PP3 met). Multifactorial likelihood ratio analysis using clinically calibrated data produced a combined LR for this variant of 1.91 (based on Co-occurrence LR=1.03; Family History LR=1.85), which is above the ENIGMA BRCA1/2 VCEP threshold for BP5 (>0.48) and below PP4 (<2.08) (BP5 and PP4 not met; PMID: 31853058, Internal lab contributor). In summary, this variant meets the criteria to be classified as a Likely pathogenic variant for BRCA1-related cancer predisposition based on the ACMG/AMP criteria applied as specified by the ENIGMA BRCA1/2 VCEP (PM2_Supporting, PS3, PP3).

Ambry Genetics
Classification: Likely pathogenic for Hereditary cancer-predisposing syndrome. Last evaluated: 2026-07-28. Review status: criteria provided, single submitter. Criteria: Ambry Variant Classification Scheme 2023. Collection method: clinical testing. Allele origin: germline. Not counted in ClinVar's aggregate classification.
Comment: The p.S1715C variant (also known as c.5143A>T), located in coding exon 16 of the BRCA1 gene, results from an A to T substitution at nucleotide position 5143. The serine at codon 1715 is replaced by cysteine, an amino acid with dissimilar properties. This amino acid position is highly conserved in available vertebrate species. This alteration impacts a highly-conserved residue within the N-terminal BRCT functional domain of BRCA1 and has been shown to result in significantly reduced protein function in several protein functional assays (Rowling P et al. J Biol Chem. 2010 Jun 25;285(26):20080-7; Lee M et al. Cancer Res. 2010 Jun 15;70(12):4880-90; Findlay GM et al. Nature 2018 10;562(7726):217-222). Of note, this alteration is also referred to as 5262A>T in published literature. In addition, this alteration is predicted to be deleterious by in silico analysis. This variant is considered to be rare based on population cohorts in the Genome Aggregation Database (gnomAD). Based on the majority of available evidence to date, this variant is likely to be pathogenic.

Labcorp Genetics (formerly Invitae), Labcorp
Classification: Likely pathogenic for Hereditary breast ovarian cancer syndrome. Last evaluated: 2026-01-24. Review status: criteria provided, single submitter. Criteria: Invitae Variant Classification Sherloc (09022015). Collection method: clinical testing. Allele origin: germline. Not counted in ClinVar's aggregate classification.
Comment: This sequence change replaces serine, which is neutral and polar, with cysteine, which is neutral and slightly polar, at codon 1715 of the BRCA1 protein (p.Ser1715Cys). This variant is not present in population databases (gnomAD no frequency). This missense change has been observed in individual(s) with BRCA1-related conditions (PMID: 36169650). ClinVar contains an entry for this variant (Variation ID: 55415). Invitae Evidence Modeling incorporating data from in vitro experimental studies (PMID: 30209399) indicates that this missense variant is expected to disrupt BRCA1 function with a positive predictive value of 95%. Experimental studies are conflicting or provide insufficient evidence to determine the effect of this variant on BRCA1 function (PMID: 20378548, 20516115, 24845084, 25748678, 30209399, 30765603). This variant disrupts the p.Ser1715 amino acid residue in BRCA1. Other variant(s) that disrupt this residue have been determined to be pathogenic (PMID: 11157798, 22856468). This suggests that this residue is clinically significant, and that variants that disrupt this residue are likely to be disease-causing. In summary, the currently available evidence indicates that the variant is pathogenic, but additional data are needed to prove that conclusively. Therefore, this variant has been classified as Likely Pathogenic.

PreventionGenetics, part of Exact Sciences
Classification: Likely pathogenic for BRCA1-related condition. Last evaluated: 2025-07-22. Review status: criteria provided, single submitter. Criteria: ACMG Guidelines, 2015. Collection method: clinical testing. Allele origin: germline. Not counted in ClinVar's aggregate classification.
Comment: The BRCA1 c.5143A>T variant is predicted to result in the amino acid substitution p.Ser1715Cys. This variant has been reported in at least one individual undergoing hereditary breast and ovarian cancer genetic testing (Judkins et al. 2005. PubMed ID: 16267036). In vitro functional experimental studies suggest this variant impacts protein function (Supplement, Lee et al. 2010. PubMed ID: 20516115; Figure 4, Gaboriau et al. 2015. PubMed ID: 25748678; Table S1, Findlay et al. 2018. PubMed ID: 30209399). The vast majority of advanced in silico prediction modelling, including conservation and structural analysis, suggest this variant is conserved, protein destabilizing, and damaging (Table 5, Abkevich et al. 2004. PubMed ID: 15235020; Table S2, Karchin et al. 2006. PubMed ID: 17305420; Rowling et al. 2010. PubMed ID: 20378548; Figure 1, Gaboriau et al. 2015. PubMed ID: 25748678; Table S4 and S8, Woods et al. 2016. PubMed ID: 28781887). This variant has not been reported in a large population database (gnomAD), indicating this variant is rare. This variant is interpreted as likely pathogenic/pathogenic by the majority of submissions in ClinVar (Variation ID: 55415). Alternate changes affecting the same amino acid (p.Ser1715Asn, p.Ser1715Arg) are reported to be pathogenic (Diez et al. 1999. PubMed ID: 10508480; Table S1, Findlay et al. 2018. PubMed ID: 30209399; Vallon-Christersson et al. 2001. PubMed ID: 11157798; ClinVar Variation IDs: 55414, 55416, 55418). The c.5143A>T (p.Ser1715Cys) variant is interpreted as likely pathogenic.

Quest Diagnostics Nichols Institute San Juan Capistrano
Classification: Pathogenic. Last evaluated: 2024-11-15. Review status: criteria provided, single submitter. Criteria: Quest Diagnostics criteria. Collection method: clinical testing. Allele origin: unknown. Not counted in ClinVar's aggregate classification.
Comment: The BRCA1 c.5143A>T (p.Ser1715Cys) variant has been reported in the published literature in families affected with a hereditary breast/ovarian cancer (PMID: 16267036 (2005)). This variant shows functional defects in transcriptional activation as well as DNA damage response and repair (PMIDs: 20516115 (2010), 25748678 (2015), 28781887 (2016), 30209399 (2018)). This variant has not been reported in large, multi-ethnic general populations (Genome Aggregation Database). Analysis of this variant using bioinformatics tools for the prediction of the effect of amino acid changes on protein structure and function yielded predictions that this variant is damaging. Based on the available information, this variant is classified as pathogenic.